The following is an entry in ClinVar:

ClinVar aggregate classification (germline): Uncertain significance. Review status: criteria provided, multiple submitters, no conflicts (2 of 4 stars). 2 submissions from 2 submitters: Uncertain significance (2). Last evaluated 2025-08-08.

Conditions:
Inborn genetic diseases. Identifiers: MedGen C0950123, MeSH D030342.

Allele frequency attached by ClinVar (database versions not stated): TOPMed below 0.00001.
gnomAD v4.1: 1 of 1,614,028 alleles (0.000062%); highest among the groups gnomAD compares: Admixed American, 0.0017%; no homozygotes.

Submissions (2):

Ambry Genetics
Classification: Uncertain significance for Inborn genetic diseases. Last evaluated: 2025-08-08. Review status: criteria provided, single submitter. Criteria: Ambry Variant Classification Scheme 2023. Collection method: clinical testing. Allele origin: germline.

Labcorp Genetics (formerly Invitae), Labcorp
Classification: Uncertain significance. Last evaluated: 2022-03-17. Review status: criteria provided, single submitter. Criteria: Invitae Variant Classification Sherloc (09022015). Collection method: clinical testing. Allele origin: germline.
Comment: Advanced modeling of protein sequence and biophysical properties (such as structural, functional, and spatial information, amino acid conservation, physicochemical variation, residue mobility, and thermodynamic stability) performed at Invitae indicates that this missense variant is not expected to disrupt COL4A1 protein function. This sequence change replaces valine, which is neutral and non-polar, with isoleucine, which is neutral and non-polar, at codon 236 of the COL4A1 protein (p.Val236Ile). This variant is present in population databases (no rsID available, gnomAD 0.003%). This variant has not been reported in the literature in individuals affected with COL4A1-related conditions. In summary, the available evidence is currently insufficient to determine the role of this variant in disease. Therefore, it has been classified as a Variant of Uncertain Significance.

NM_001845.6(COL4A1):c.706G>A (p.Val236Ile)

Gene: COL4A1 (collagen type IV alpha 1 chain; minus strand). Cytogenetic location: 13q34.
Variant type: single nucleotide variant.
Coding change: c.706G>A on transcript NM_001845.6 (MANE Select); coding-DNA position 706, G replaced by A.
Protein change: p.Val236Ile; replaces valine 236 with isoleucine.
Molecular consequence: missense variant.
Genome position (GRCh38, 1-based): chr13:110,207,477, C>T on the plus strand (G>A on the coding strand, the complement: COL4A1 is on the minus strand). VCF-style: chr13-110207477-C-T. GRCh37 (hg19) VCF-style: chr13-110859824-C-T.
Other names: c.706G>A (NM_001845.4); c.706G>A, p.Val236Ile (NM_001303110.2); short protein forms V236I.
Identifiers: ClinVar variation 2201813 (VCV002201813.5), dbSNP rs1424158379, ClinGen allele CA388725193.